The following is an entry in ClinVar:

ClinVar aggregate classification (germline): Pathogenic. Review status: criteria provided, multiple submitters, no conflicts (2 of 4 stars). 2 submissions from 2 submitters: Pathogenic (2). Last evaluated 2025-05-18.

Conditions:
Neurofibromatosis, type 1 (NF1). Also called: NEUROFIBROMATOSIS, TYPE I, SOMATIC; Neurofibromatosis, type I; VON RECKLINGHAUSEN DISEASE; Peripheral type neurofibromatosis. Identifiers: Orphanet 636, MedGen C0027831, MONDO:0018975, OMIM 162200. Disease mechanism: loss of function.

Submissions (2):

Labcorp Genetics (formerly Invitae), Labcorp
Classification: Pathogenic for Neurofibromatosis, type 1. Last evaluated: 2025-05-18. Review status: criteria provided, single submitter. Criteria: Invitae Variant Classification Sherloc (09022015). Collection method: clinical testing. Allele origin: germline.
Comment: This sequence change creates a premature translational stop signal (p.Cys1367*) in the NF1 gene. It is expected to result in an absent or disrupted protein product. Loss-of-function variants in NF1 are known to be pathogenic (PMID: 10712197, 23913538). This variant is not present in population databases (gnomAD no frequency). This variant has not been reported in the literature in individuals affected with NF1-related conditions. For these reasons, this variant has been classified as Pathogenic.

Molecular Pathology, Peter Maccallum Cancer Centre
Classification: Pathogenic for Neurofibromatosis, type 1. Last evaluated: 2025-05-09. Review status: criteria provided, single submitter. Criteria: ACMG Guidelines, 2015. Collection method: clinical testing. Allele origin: germline. Inheritance: Autosomal dominant inheritance.

Literature cited by the submitters: PubMed 10712197 (cited by Labcorp Genetics (formerly Invitae), Labcorp); PubMed 23913538 (cited by Labcorp Genetics (formerly Invitae), Labcorp).

NM_001042492.3(NF1):c.4101T>A (p.Cys1367Ter)

Gene: NF1 (neurofibromin 1; plus strand). Cytogenetic location: 17q11.2.
Variant type: single nucleotide variant.
Coding change: c.4101T>A on transcript NM_001042492.3 (MANE Select); coding-DNA position 4101, T replaced by A.
Protein change: p.Cys1367Ter; replaces cysteine 1367 with a stop codon.
Molecular consequence: nonsense.
Genome position (GRCh38, 1-based): chr17:31,249,110, T>A. VCF-style: chr17-31249110-T-A. GRCh37 (hg19) VCF-style: chr17-29576128-T-A.
Other names: c.4101T>A, p.Cys1367Ter (NM_000267.4); short protein forms C1367*.
Identifiers: ClinVar variation 4056241 (VCV004056241.2).